The following is an entry in ClinVar:

ClinVar aggregate classification (germline): Uncertain significance (1 of 4 stars; one submission).

Conditions:
Primary dilated cardiomyopathy (DCM). Also called: Dilated Cardiomyopathy. Identifiers: Orphanet 217604, MedGen C0007193, MeSH D002311, MONDO:0005021, HP:0001644. Inheritance: Various modes of inheritance.
Hypertrophic cardiomyopathy. Also called: HYPERTROPHIC MYOCARDIOPATHY. Identifiers: Orphanet 217569, MedGen C0007194, MeSH D002312, MONDO:0005045, HP:0001639.

Submission:

Labcorp Genetics (formerly Invitae), Labcorp
Classification: Uncertain significance for Hypertrophic cardiomyopathy; Primary dilated cardiomyopathy. Last evaluated: 2025-05-18. Review status: criteria provided, single submitter. Criteria: Invitae Variant Classification Sherloc (09022015). Collection method: clinical testing. Allele origin: germline.
Comment: This sequence change creates a premature translational stop signal (p.Ile121Phefs*7) in the PDLIM3 gene. It is expected to result in an absent or disrupted protein product. However, the current clinical and genetic evidence is not sufficient to establish whether loss-of-function variants in PDLIM3 cause disease. This variant is not present in population databases (gnomAD no frequency). This variant has not been reported in the literature in individuals affected with PDLIM3-related conditions. In summary, the available evidence is currently insufficient to determine the role of this variant in disease. Therefore, it has been classified as a Variant of Uncertain Significance.

NM_014476.6(PDLIM3):c.361del (p.Ile121fs)

Genes: PDLIM3 (PDZ and LIM domain 3; minus strand), LOC126807246 (BRD4-independent group 4 enhancer GRCh37_chr4:186434842-186436041; plus strand). Cytogenetic location: 4q35.1.
Variant type: Deletion.
Coding change: c.361del on transcript NM_014476.6 (MANE Select); coding-DNA position 361, one base deleted (A; older notation c.361delA).
Protein change: p.Ile121fs; shifts the reading frame from isoleucine 121.
Molecular consequence: frameshift variant. On other transcripts: intron variant (1).
Genome position (GRCh38, 1-based): chr4:185,514,307, T deleted on the plus strand (A on the coding strand, the reverse complement: PDLIM3 is on the minus strand). VCF-style (leftmost placement, unchanged base first): chr4-185514306-AT-A. GRCh37 (hg19) VCF-style: chr4-186435460-AT-A.
Other names: c.361del, p.Ile121fs (NM_001257962.2); c.124del, p.Ile42fs (NM_001257963.2); c.518+396del (NM_001114107.5); short protein forms I42fs, I121fs.
Identifiers: ClinVar variation 4794635 (VCV004794635.1).